The following is an entry in ClinVar:

NM_007078.3(LDB3):c.89C>G (p.Ser30Cys)

Gene: LDB3 (LIM domain binding 3; plus strand). Cytogenetic location: 10q23.2.
Variant type: single nucleotide variant.
Coding change: c.89C>G on transcript NM_007078.3 (MANE Select); coding-DNA position 89, C replaced by G.
Protein change: p.Ser30Cys; replaces serine 30 with cysteine.
Molecular consequence: missense variant.
Genome position (GRCh38, 1-based): chr10:86,668,780, C>G. VCF-style: chr10-86668780-C-G. GRCh37 (hg19) VCF-style: chr10-88428537-C-G.
Other names: c.89C>G, p.Ser30Cys (NM_001080114.2, NM_001080115.2, NM_001080116.1 and 8 more transcripts); short protein forms S30C.
Identifiers: ClinVar variation 2003750 (VCV002003750.4), dbSNP rs1844293917, ClinGen allele CA377448843.
Genomic context (GRCh38, chr10:86,668,780, plus strand): 5'-CCGGGCCCTGGGGCTTCCGTCTGCAGGGGGGCAAGGACTTCAACATGCCCCTCACTATCT[C>G]CCGGGTGAGTGCACCCTGCCACAGCCTGGCACCCGATGGGGCAGGCACGCTTGGAGGAGG-3'
Protein context (NP_009009.1, residues 20-40): GKDFNMPLTI[Ser30Cys]RITPGSKAAQ

ClinVar aggregate classification (germline): Uncertain significance (1 of 4 stars; one submission).

Conditions:
Myofibrillar myopathy 4. Also called: Zaspopathy (type). Identifiers: Orphanet 98912, MedGen C4721886, MONDO:0012277, OMIM 609452.

Submission:

Labcorp Genetics (formerly Invitae), Labcorp
Classification: Uncertain significance for Myofibrillar myopathy 4. Last evaluated: 2022-06-09. Review status: criteria provided, single submitter. Criteria: Invitae Variant Classification Sherloc (09022015). Collection method: clinical testing. Allele origin: germline.
Comment: In summary, the available evidence is currently insufficient to determine the role of this variant in disease. Therefore, it has been classified as a Variant of Uncertain Significance. Algorithms developed to predict the effect of missense changes on protein structure and function are either unavailable or do not agree on the potential impact of this missense change (SIFT: "Tolerated"; PolyPhen-2: "Probably Damaging"; Align-GVGD: "Class C0"). This variant has not been reported in the literature in individuals affected with LDB3-related conditions. This variant is not present in population databases (gnomAD no frequency). This sequence change replaces serine, which is neutral and polar, with cysteine, which is neutral and slightly polar, at codon 30 of the LDB3 protein (p.Ser30Cys).